The following is an entry in ClinVar:

ClinVar aggregate classification (germline): Pathogenic. Review status: reviewed by expert panel (3 of 4 stars). 3 submissions from 3 submitters: Pathogenic (1). 2 of the submissions do not count toward it. Last evaluated 2016-09-08.

Conditions:
Breast-ovarian cancer, familial, susceptibility to, 1 (BROVCA1). Also called: BRCA1 Hereditary Breast and Ovarian Cancer; OVARIAN CANCER, SUSCEPTIBILITY TO. Identifiers: Orphanet 145, MedGen C2676676, MONDO:0011450, OMIM 604370. Disease mechanism: loss of function.
Hereditary cancer-predisposing syndrome. Also called: Tumor predisposition; Hereditary Cancer Syndrome; Neoplastic Syndromes, Hereditary; Hereditary neoplastic syndrome. Identifiers: Orphanet 140162, MedGen C0027672, MeSH D009386, MONDO:0015356.
Hereditary breast ovarian cancer syndrome. Also called: Breast and ovarian cancer; Hereditary breast and ovarian cancer; Hereditary breast and ovarian cancer syndrome; Hereditary breast and/or ovarian cancer syndrome; BRCA1- and BRCA2-Associated Hereditary Breast and Ovarian Cancer; Hereditary breast and ovarian cancer syndrome (HBOC). Identifiers: Orphanet 145, MedGen C0677776, MeSH D061325, MONDO:0003582. Disease mechanism: loss of function.

Submissions (3):

Evidence-based Network for the Interpretation of Germline Mutant Alleles (ENIGMA)
Classification: Pathogenic for Breast-ovarian cancer, familial, susceptibility to, 1. Last evaluated: 2016-09-08. Review status: reviewed by expert panel. Criteria: ENIGMA BRCA1/2 Classification Criteria (2015). Collection method: curation. Allele origin: germline.
Comment: Variant allele predicted to encode a truncated non-functional protein.

Labcorp Genetics (formerly Invitae), Labcorp
Classification: Pathogenic for Hereditary breast ovarian cancer syndrome. Last evaluated: 2024-09-03. Review status: criteria provided, single submitter. Criteria: Invitae Variant Classification Sherloc (09022015). Collection method: clinical testing. Allele origin: germline. Not counted in ClinVar's aggregate classification.
Comment: This sequence change creates a premature translational stop signal (p.Trp385*) in the BRCA1 gene. It is expected to result in an absent or disrupted protein product. Loss-of-function variants in BRCA1 are known to be pathogenic (PMID: 20104584). This variant is not present in population databases (gnomAD no frequency). This premature translational stop signal has been observed in individual(s) with breast cancer (PMID: 26577449). ClinVar contains an entry for this variant (Variation ID: 233665). For these reasons, this variant has been classified as Pathogenic.

Ambry Genetics
Classification: Pathogenic for Hereditary cancer-predisposing syndrome. Last evaluated: 2024-04-29. Review status: criteria provided, single submitter. Criteria: Ambry Variant Classification Scheme 2023. Collection method: clinical testing. Allele origin: germline. Not counted in ClinVar's aggregate classification.
Comment: The p.W385* pathogenic mutation (also known as c.1155G>A), located in coding exon 9 of the BRCA1 gene, results from a G to A substitution at nucleotide position 1155. This changes the amino acid from a tryptophan to a stop codon within coding exon 9. This variant is considered to be rare based on population cohorts in the Genome Aggregation Database (gnomAD). This alteration is expected to result in loss of function by premature protein truncation or nonsense-mediated mRNA decay. As such, this alteration is interpreted as a disease-causing mutation.

Literature cited by the submitters: PubMed 20104584 (cited by Labcorp Genetics (formerly Invitae), Labcorp); PubMed 26577449 (cited by Labcorp Genetics (formerly Invitae), Labcorp).

NM_007294.4(BRCA1):c.1155G>A (p.Trp385Ter)

Gene: BRCA1 (BRCA1 DNA repair associated; minus strand). Cytogenetic location: 17q21.31.
Variant type: single nucleotide variant.
Coding change: c.1155G>A on transcript NM_007294.4 (MANE Select); coding-DNA position 1155, G replaced by A.
Protein change: p.Trp385Ter; replaces tryptophan 385 with a stop codon.
Molecular consequence: nonsense. On other transcripts: intron variant (137).
Genome position (GRCh38, 1-based): chr17:43,094,376, C>T on the plus strand (G>A on the coding strand, the complement: BRCA1 is on the minus strand). VCF-style: chr17-43094376-C-T. GRCh37 (hg19) VCF-style: chr17-41246393-C-T.
Other names: c.1152G>A, p.Trp384Ter (NM_001407635.1, NM_001407636.1, NM_001407637.1 and 22 more transcripts); c.1155G>A, p.Trp385Ter (NM_001407639.1, NM_001407640.1, NM_001407641.1 and 30 more transcripts); c.1077G>A, p.Trp359Ter (NM_001407655.1, NM_001407656.1, NM_001407657.1 and 4 more transcripts); c.1074G>A, p.Trp358Ter (NM_001407659.1, NM_001407660.1, NM_001407661.1 and 1 more transcripts); c.1032G>A, p.Trp344Ter (NM_001407674.1, NM_001407675.1, NM_001407676.1 and 19 more transcripts); c.1014G>A, p.Trp338Ter (NM_001407694.1, NM_001407695.1, NM_001407696.1 and 29 more transcripts); c.1011G>A, p.Trp337Ter (NM_001407740.1, NM_001407741.1, NM_001407742.1 and 20 more transcripts); c.951G>A, p.Trp317Ter (NM_001407875.1, NM_001407874.1); and 40 more; short protein forms W385*, W338*, W257*, W258*, W273*, W315*, W318*, W343*.
Identifiers: ClinVar variation 233665 (VCV000233665.18), dbSNP rs876660558, ClinGen allele CA10580676.